The following is an entry in ClinVar:

ClinVar aggregate classification (germline): Uncertain significance. Review status: criteria provided, multiple submitters, no conflicts (2 of 4 stars). 3 submissions from 3 submitters: Uncertain significance (3). Last evaluated 2024-03-08.

Conditions:
DOCK2 deficiency. Also called: Immunodeficiency 40. Identifiers: Orphanet 447737, MedGen C4225328, MONDO:0014637, OMIM 616433.
Inborn genetic diseases. Identifiers: MedGen C0950123, MeSH D030342.

Allele frequency attached by ClinVar (database versions not stated): gnomAD 0.00004 and 0.00006; gnomAD exomes 0.00004 and 0.00008; TOPMed 0.00004; ExAC 0.00008; ESP Exome Variant Server 0.00008.
gnomAD v4.1: 74 of 1,614,168 alleles (0.0046%); highest among the groups gnomAD compares: South Asian, 0.054%; 1 homozygote.

Submissions (3):

Ambry Genetics
Classification: Uncertain significance for Inborn genetic diseases. Last evaluated: 2024-03-08. Review status: criteria provided, single submitter. Criteria: Ambry Variant Classification Scheme 2023. Collection method: clinical testing. Allele origin: germline.

Labcorp Genetics (formerly Invitae), Labcorp
Classification: Uncertain significance for DOCK2 deficiency. Last evaluated: 2023-12-18. Review status: criteria provided, single submitter. Criteria: Invitae Variant Classification Sherloc (09022015). Collection method: clinical testing. Allele origin: germline.
Comment: This sequence change replaces tyrosine, which is neutral and polar, with cysteine, which is neutral and slightly polar, at codon 45 of the DOCK2 protein (p.Tyr45Cys). This variant is present in population databases (rs150182906, gnomAD 0.05%). This variant has not been reported in the literature in individuals affected with DOCK2-related conditions. ClinVar contains an entry for this variant (Variation ID: 1415984). An algorithm developed to predict the effect of missense changes on protein structure and function (PolyPhen-2) suggests that this variant is likely to be disruptive. In summary, the available evidence is currently insufficient to determine the role of this variant in disease. Therefore, it has been classified as a Variant of Uncertain Significance.

Blueprint Genetics
Classification: Uncertain significance. Last evaluated: 2021-05-08. Review status: criteria provided, single submitter. Criteria: ACMG Guidelines, 2015. Collection method: clinical testing. Allele origin: germline.

NM_004946.3(DOCK2):c.134A>G (p.Tyr45Cys)

Gene: DOCK2 (dedicator of cytokinesis 2; plus strand). Cytogenetic location: 5q35.1.
Variant type: single nucleotide variant.
Coding change: c.134A>G on transcript NM_004946.3 (MANE Select); coding-DNA position 134, A replaced by G.
Protein change: p.Tyr45Cys; replaces tyrosine 45 with cysteine.
Molecular consequence: missense variant. On other transcripts: non-coding transcript variant (1).
Genome position (GRCh38, 1-based): chr5:169,669,294, A>G. VCF-style: chr5-169669294-A-G. GRCh37 (hg19) VCF-style: chr5-169096298-A-G.
Other names: c.134A>G (NM_004946.2); short protein forms Y45C.
Identifiers: ClinVar variation 1415984 (VCV001415984.8), dbSNP rs150182906, ClinGen allele CA3553064.